The following is an entry in ClinVar:

NM_000528.4(MAN2B1):c.1963del (p.Gln655fs)

Gene: MAN2B1 (mannosidase alpha class 2B member 1; minus strand). Cytogenetic location: 19p13.13.
Variant type: Deletion.
Coding change: c.1963del on transcript NM_000528.4 (MANE Select); coding-DNA position 1963, one base deleted (C; older notation c.1963delC).
Protein change: p.Gln655fs; shifts the reading frame from glutamine 655.
Molecular consequence: frameshift variant.
Genome position (GRCh38, 1-based): chr19:12,652,236, G deleted on the plus strand (C on the coding strand, the reverse complement: MAN2B1 is on the minus strand); the first of 2 consecutive G bases (chr19:12,652,236-12,652,237); deleting either gives the same sequence. VCF-style (leftmost placement, unchanged base first): chr19-12652235-TG-T. GRCh37 (hg19) VCF-style: chr19-12763049-TG-T.
Other names: c.1960del, p.Gln654fs (NM_001173498.2); short protein forms Q654fs, Q655fs.
Identifiers: ClinVar variation 2676436 (VCV002676436.5), dbSNP rs754014741, ClinGen allele CA9226249.
Genomic context (GRCh38, chr19:12,652,235, plus strand): 5'-CAGCGGCTCACAGGCAGCGGTTTCTGTTGGTTGGGTCTGAAGATGTAGGCACCTGAGGCC[TG>T]GTCACTTTCGTTGTCACCTATACTGGCGTTGTACCTGGAGTTGGGGCAGGTGAGAGTCAG-3'

ClinVar aggregate classification (germline): Pathogenic/Likely pathogenic. Review status: criteria provided, multiple submitters, no conflicts (2 of 4 stars). 3 submissions from 3 submitters: Pathogenic (2); Likely pathogenic (1). Last evaluated 2025-03-30.

Conditions:
Deficiency of alpha-mannosidase (MANSA). Also called: LYSOSOMAL ALPHA-D-MANNOSIDASE DEFICIENCY; Alpha-Mannosidosis; Mannosidosis, alpha-, types I and II. Identifiers: Orphanet 61, MedGen C0024748, MONDO:0009561, OMIM 248500.

Submissions (3):

Myriad Genetics, Inc.
Classification: Pathogenic for Deficiency of alpha-mannosidase. Last evaluated: 2025-03-30. Review status: criteria provided, single submitter. Criteria: Myriad Autosomal Dominant, Autosomal Recessive and X-Linked Classification Criteria (2023). Collection method: clinical testing. Allele origin: unknown.
Comment: NM_000528.3(MAN2B1):c.1963delC(Q655Rfs*18) is expected to be pathogenic in the context of alpha-mannosidosis. This variant is predicted to lead to an abnormal or absent protein product due to the creation of a premature termination codon in MAN2B1, a gene where loss-of-function variants are known to be pathogenic. Please note: this variant was assessed in the context of healthy population screening.

Labcorp Genetics (formerly Invitae), Labcorp
Classification: Pathogenic for Deficiency of alpha-mannosidase. Last evaluated: 2023-05-12. Review status: criteria provided, single submitter. Criteria: Invitae Variant Classification Sherloc (09022015). Collection method: clinical testing. Allele origin: germline.
Comment: This variant has not been reported in the literature in individuals affected with MAN2B1-related conditions. For these reasons, this variant has been classified as Pathogenic. This variant is not present in population databases (gnomAD no frequency). This sequence change creates a premature translational stop signal (p.Gln655Argfs*18) in the MAN2B1 gene. It is expected to result in an absent or disrupted protein product. Loss-of-function variants in MAN2B1 are known to be pathogenic (PMID: 9915946, 22161967).

Baylor Genetics
Classification: Likely pathogenic for Deficiency of alpha-mannosidase. Last evaluated: 2023-01-31. Review status: criteria provided, single submitter. Criteria: ACMG Guidelines, 2015. Collection method: clinical testing. Allele origin: unknown.

Literature cited by the submitters: PubMed 9915946 (cited by Labcorp Genetics (formerly Invitae), Labcorp); PubMed 22161967 (cited by Labcorp Genetics (formerly Invitae), Labcorp).